The following is an entry in ClinVar:

ClinVar aggregate classification (germline): Uncertain significance (1 of 4 stars; one submission).

gnomAD v4.1: 1 of 1,614,148 alleles (0.000062%); highest among the groups gnomAD compares: Non-Finnish European, 0.000085%; no homozygotes.

Submission:

GeneDx
Classification: Uncertain significance. Last evaluated: 2024-11-21. Review status: criteria provided, single submitter. Criteria: GeneDx Variant Classification Process June 2021. Collection method: clinical testing. Allele origin: germline. Affected: yes.
Comment: Not observed at significant frequency in large population cohorts (gnomAD); In silico analysis indicates that this missense variant does not alter protein structure/function; Has not been previously published as pathogenic or benign to our knowledge

NM_001003694.2(BRPF1):c.489C>G (p.His163Gln)

Gene: BRPF1 (bromodomain and PHD finger containing 1; plus strand). Cytogenetic location: 3p25.3.
Variant type: single nucleotide variant.
Coding change: c.489C>G on transcript NM_001003694.2 (MANE Select); coding-DNA position 489, C replaced by G.
Protein change: p.His163Gln; replaces histidine 163 with glutamine.
Molecular consequence: missense variant. On other transcripts: non-coding transcript variant (1).
Genome position (GRCh38, 1-based): chr3:9,734,629, C>G. VCF-style: chr3-9734629-C-G. GRCh37 (hg19) VCF-style: chr3-9776313-C-G.
Other names: c.489C>G, p.His163Gln (NM_001319049.2, NM_001319050.2, NM_001410704.1 and 1 more transcripts); short protein forms H163Q.
Identifiers: ClinVar variation 3900361 (VCV003900361.1).